The following is an entry in ClinVar:

ClinVar aggregate classification (germline): Likely benign. Review status: criteria provided, single submitter (1 of 4 stars). 2 submissions from 2 submitters: Likely benign (1). 1 of the submissions does not count toward it. Last evaluated 2024-07-01.

Conditions:
CIC-related disorder. Also called: CIC-related condition.

Allele frequency attached by ClinVar (database versions not stated): gnomAD exomes below 0.00001.
gnomAD v4.1: 9 of 1,614,120 alleles (0.00056%); highest among the groups gnomAD compares: Middle Eastern, 0.016%; no homozygotes.

Submissions (2):

CeGaT Center for Human Genetics Tuebingen
Classification: Likely benign. Last evaluated: 2024-07-01. Review status: criteria provided, single submitter. Criteria: CeGaT Center For Human Genetics Tuebingen Variant Classification Criteria Version 2. Collection method: clinical testing. Allele origin: germline. Affected: yes. Observed: 2 variant alleles.
Comment: CIC: BP4

PreventionGenetics, part of Exact Sciences
Classification: Uncertain significance for CIC-related condition. Last evaluated: 2024-01-23. Review status: no assertion criteria provided. Collection method: clinical testing. Allele origin: germline. Not counted in ClinVar's aggregate classification.
Comment: The CIC c.1552C>T variant is predicted to result in the amino acid substitution p.Pro518Ser. To our knowledge, this variant has not been reported in the literature. This variant is reported in 1 out of ~251,370 alleles in gnomAD. At this time, the clinical significance of this variant is uncertain due to the absence of conclusive functional and genetic evidence.

NM_001386298.1(CIC):c.4279C>T (p.Pro1427Ser)

Gene: CIC (capicua transcriptional repressor; plus strand). Cytogenetic location: 19q13.2.
Variant type: single nucleotide variant.
Coding change: c.4279C>T on transcript NM_001386298.1 (MANE Select); coding-DNA position 4279, C replaced by T.
Protein change: p.Pro1427Ser; replaces proline 1427 with serine.
Molecular consequence: missense variant.
Genome position (GRCh38, 1-based): chr19:42,290,320, C>T. VCF-style: chr19-42290320-C-T. GRCh37 (hg19) VCF-style: chr19-42794472-C-T.
Other names: c.4279C>T, p.Pro1427Ser (NM_001304815.2, NM_001379480.1, NM_001379482.1 and 1 more transcripts); c.1552C>T, p.Pro518Ser (NM_001379484.1, NM_001379485.1, NM_015125.5); short protein forms P1427S, P518S.
Identifiers: ClinVar variation 2649989 (VCV002649989.25), dbSNP rs1270663092, ClinGen allele CA406104085.